The following is an entry in ClinVar:

ClinVar aggregate classification (germline): Conflicting classifications of pathogenicity. Review status: criteria provided, conflicting classifications (1 of 4 stars). 2 submissions from 2 submitters: Uncertain significance (1); Likely benign (1). Last evaluated 2024-09-10.

Conditions:
Inborn genetic diseases. Identifiers: MedGen C0950123, MeSH D030342.

Allele frequency attached by ClinVar (database versions not stated): TOPMed 0.00002; gnomAD exomes 0.00004; gnomAD 0.00005; ExAC 0.00010; ESP Exome Variant Server 0.00017.
gnomAD v4.1: 57 of 1,613,726 alleles (0.0035%); highest among the groups gnomAD compares: Non-Finnish European, 0.0048%; no homozygotes.

Submissions (2):

Labcorp Genetics (formerly Invitae), Labcorp
Classification: Uncertain significance. Last evaluated: 2024-09-10. Review status: criteria provided, single submitter. Criteria: Invitae Variant Classification Sherloc (09022015). Collection method: clinical testing. Allele origin: germline.
Comment: This sequence change replaces glutamic acid, which is acidic and polar, with glycine, which is neutral and non-polar, at codon 1907 of the CHD8 protein (p.Glu1907Gly). This variant is present in population databases (rs370737241, gnomAD 0.01%), and has an allele count higher than expected for a pathogenic variant. This variant has not been reported in the literature in individuals affected with CHD8-related conditions. ClinVar contains an entry for this variant (Variation ID: 2599948). Invitae Evidence Modeling of protein sequence and biophysical properties (such as structural, functional, and spatial information, amino acid conservation, physicochemical variation, residue mobility, and thermodynamic stability) indicates that this missense variant is not expected to disrupt CHD8 protein function with a negative predictive value of 80%. In summary, the available evidence is currently insufficient to determine the role of this variant in disease. Therefore, it has been classified as a Variant of Uncertain Significance.

Ambry Genetics
Classification: Likely benign for Inborn genetic diseases. Last evaluated: 2023-09-13. Review status: criteria provided, single submitter. Criteria: Ambry Variant Classification Scheme 2023. Collection method: clinical testing. Allele origin: germline.

NM_001170629.2(CHD8):c.5720A>G (p.Glu1907Gly)

Gene: CHD8 (chromodomain helicase DNA binding protein 8; minus strand). Cytogenetic location: 14q11.2.
Variant type: single nucleotide variant.
Coding change: c.5720A>G on transcript NM_001170629.2 (MANE Select); coding-DNA position 5720, A replaced by G.
Protein change: p.Glu1907Gly; replaces glutamic acid 1907 with glycine.
Molecular consequence: missense variant.
Genome position (GRCh38, 1-based): chr14:21,394,075, T>C on the plus strand (A>G on the coding strand, the complement: CHD8 is on the minus strand). VCF-style: chr14-21394075-T-C. GRCh37 (hg19) VCF-style: chr14-21862234-T-C.
Other names: c.4883A>G, p.Glu1628Gly (NM_020920.4); short protein forms E1628G, E1907G.
Identifiers: ClinVar variation 2599948 (VCV002599948.4), dbSNP rs370737241, ClinGen allele CA7090899.